The following is an entry in ClinVar:

NM_201253.3(CRB1):c.2671T>G (p.Cys891Gly)

Gene: CRB1 (crumbs cell polarity complex component 1; plus strand). Cytogenetic location: 1q31.3.
Variant type: single nucleotide variant.
Coding change: c.2671T>G on transcript NM_201253.3 (MANE Select); coding-DNA position 2671, T replaced by G.
Protein change: p.Cys891Gly; replaces cysteine 891 with glycine.
Molecular consequence: missense variant. On other transcripts: non-coding transcript variant (2), intron variant (1).
Genome position (GRCh38, 1-based): chr1:197,427,996, T>G. VCF-style: chr1-197427996-T-G. GRCh37 (hg19) VCF-style: chr1-197397126-T-G.
Other names: c.2335T>G, p.Cys779Gly (NM_001193640.2); c.2464T>G, p.Cys822Gly (NM_001257965.2); c.2128+6040T>G (NM_001257966.2); short protein forms C891G, C779G, C822G.
Identifiers: ClinVar variation 99886 (VCV000099886.4), dbSNP rs62635658, ClinGen allele CA228016.

ClinVar aggregate classification (germline): Likely pathogenic. Review status: criteria provided, multiple submitters, no conflicts (2 of 4 stars). 3 submissions from 3 submitters: Likely pathogenic (2). 1 of the submissions does not count toward it. Last evaluated 2025-07-27.

Conditions:
Leber congenital amaurosis (LCA). Also called: Leber's amaurosis. Identifiers: Orphanet 65, MedGen C0339527, MeSH D057130, MONDO:0018998.

Allele frequency attached by ClinVar (database versions not stated): gnomAD exomes below 0.00001.
gnomAD v4.1: 1 of 1,613,218 alleles (0.000062%); highest among the groups gnomAD compares: Non-Finnish European, 0.000085%; no homozygotes.

Submissions (3):

Natera, Inc.
Classification: Likely pathogenic for Leber congenital amaurosis. Last evaluated: 2025-07-27. Review status: criteria provided, single submitter. Criteria: Natera Variant Classification Schema (03/2026). Collection method: clinical testing. Allele origin: germline.
Comment: The c.2671T>G variant in CRB1 is a missense variant predicted to cause substitution of cysteine to glycine at amino acid 891. This variant is rare in the general population with a frequency below the threshold expected for the associated phenotype(s). This variant has been observed in one or more individuals affected with the associated recessive disease, as either homozygous or compound heterozygous with a second variant (PMID: 36648511, 33342761). This variant has been identified in one or more affected individuals with a phenotype highly consistent with the associated gene (PMID: 36648511, 33342761). Computational prediction algorithms indicate this variant is likely to affect gene or protein function. Given the available evidence, this variant is classified as Likely Pathogenic.

Revvity Omics, Revvity
Classification: Likely pathogenic. Last evaluated: 2023-06-22. Review status: criteria provided, single submitter. Criteria: ACMG Guidelines, 2015. Collection method: clinical testing. Allele origin: germline.

Retina International
No classification provided. Review status: no classification provided. Collection method: not provided. Allele origin: not provided. Not counted in ClinVar's aggregate classification.

Literature cited by the submitters: PubMed 36648511 (cited by Natera, Inc.); PubMed 33342761 (cited by Natera, Inc.).